The following is an entry in ClinVar:

ClinVar aggregate classification (germline): Conflicting classifications of pathogenicity. Review status: criteria provided, conflicting classifications (1 of 4 stars). 3 submissions from 3 submitters: Pathogenic (1); Likely pathogenic (1); Uncertain significance (1). Last evaluated 2023-07-07.

Submissions (3):

Labcorp Genetics (formerly Invitae), Labcorp
Classification: Pathogenic. Last evaluated: 2023-07-07. Review status: criteria provided, single submitter. Criteria: Invitae Variant Classification Sherloc (09022015). Collection method: clinical testing. Allele origin: germline.
Comment: This variant is present in population databases (rs762942358, gnomAD 0.007%). This sequence change creates a premature translational stop signal (p.Met432Ilefs*84) in the SLC6A19 gene. It is expected to result in an absent or disrupted protein product. Loss-of-function variants in SLC6A19 are known to be pathogenic (PMID: 15286787, 15286788). This variant has not been reported in the literature in individuals affected with SLC6A19-related conditions. ClinVar contains an entry for this variant (Variation ID: 595203). For these reasons, this variant has been classified as Pathogenic.

GeneDx
Classification: Uncertain significance. Last evaluated: 2022-11-19. Review status: criteria provided, single submitter. Criteria: GeneDx Variant Classification Process June 2021. Collection method: clinical testing. Allele origin: germline. Affected: yes.
Comment: Frameshift variant predicted to result in protein truncation or nonsense mediated decay in a gene for which loss of function is a known mechanism of disease; Has not been previously published as pathogenic or benign to our knowledge

Eurofins Ntd Llc (ga)
Classification: Likely pathogenic. Last evaluated: 2017-11-30. Review status: criteria provided, single submitter. Criteria: EGL Classification Definitions 2015. Collection method: clinical testing. Allele origin: germline. Observed: 1 variant allele, 1 heterozygote.

Literature cited by the submitters: PubMed 15286787 (cited by Labcorp Genetics (formerly Invitae), Labcorp); PubMed 15286788 (cited by Labcorp Genetics (formerly Invitae), Labcorp).

NM_001003841.3(SLC6A19):c.1296_1297del (p.Met432fs)

Gene: SLC6A19 (solute carrier family 6 member 19; plus strand). Cytogenetic location: 5p15.33.
Variant type: Deletion.
Coding change: c.1296_1297del on transcript NM_001003841.3 (MANE Select); coding-DNA positions 1296 to 1297, 2 bases deleted (GT; older notation c.1296_1297delGT).
Protein change: p.Met432fs; shifts the reading frame from methionine 432.
Molecular consequence: frameshift variant.
Genome position (GRCh38, 1-based): chr5:1,219,025-1,219,026, GT deleted; deleting any 2 consecutive bases within chr5:1,219,024-1,219,026 gives the same sequence; the c. name uses the placement nearest the transcript's 3' end. VCF-style (leftmost placement, unchanged base first): chr5-1219023-ATG-A. GRCh37 (hg19) VCF-style: chr5-1219138-ATG-A.
Other names: c.1296_1297del (NM_001003841.2); short protein forms M432fs.
Identifiers: ClinVar variation 595203 (VCV000595203.10), dbSNP rs762942358, ClinGen allele CA3183119.
Genomic context (GRCh38, chr5:1,219,023, plus strand): 5'-TTGTCCCCACTGTGGTCTGTGCTCTTCTTCATTATGCTCTTCTGCCTGGGGCTGTCATCT[ATG>A]TTTGGGAACATGGAGGGCGTCGTTGTGCCCCTGCAGGACCTCAGAGTCATCCCCCCGAAG-3'